The following is an entry in ClinVar:

ClinVar aggregate classification (germline): Uncertain significance (1 of 4 stars; one submission).

Conditions:
Cardiomyopathy (CMYO). Also called: Cardiomyopathies. Identifiers: Orphanet 167848, MedGen C0878544, MONDO:0004994, HP:0001638. Inheritance: Various modes of inheritance.

gnomAD v4.1: 1 of 1,570,976 alleles (0.000064%); highest among the groups gnomAD compares: Non-Finnish European, 0.000086%; no homozygotes.

Submission:

Color Diagnostics, LLC DBA Color Health
Classification: Uncertain significance for Cardiomyopathy. Last evaluated: 2019-10-07. Review status: criteria provided, single submitter. Criteria: ACMG Guidelines, 2015. Collection method: clinical testing. Allele origin: germline.
Comment: This variant causes a T>G nucleotide substitution at the -12 position of intron 20 of the RYR2 gene. Splice site prediction tools are inconclusive regarding the impact of this variant on RNA splicing. To our knowledge, functional studies have not been performed for this variant. This variant has not been reported in individuals affected with cardiovascular disorders in the literature. This variant has not been identified in the general population by the Genome Aggregation Database (gnomAD). The available evidence is insufficient to determine the role of this variant in disease conclusively. Therefore, this variant is classified as a Variant of Uncertain Significance.

NM_001035.3(RYR2):c.2204-12T>G

Gene: RYR2 (ryanodine receptor 2; plus strand). Cytogenetic location: 1q43.
Variant type: single nucleotide variant.
Coding change: c.2204-12T>G on transcript NM_001035.3 (MANE Select); 12 bases into the intron before coding-DNA position 2204, T replaced by G.
Molecular consequence: intron variant.
Genome position (GRCh38, 1-based): chr1:237,500,699, T>G. VCF-style: chr1-237500699-T-G. GRCh37 (hg19) VCF-style: chr1-237663999-T-G.
Identifiers: ClinVar variation 928272 (VCV000928272.3), dbSNP rs753604347, ClinGen allele CA1139656653.